The following is an entry in ClinVar:

NM_004304.5(ALK):c.1663C>A (p.Leu555Ile)

Gene: ALK (ALK receptor tyrosine kinase; minus strand). Cytogenetic location: 2p23.2.
Variant type: single nucleotide variant.
Coding change: c.1663C>A on transcript NM_004304.5 (MANE Select); coding-DNA position 1663, C replaced by A.
Protein change: p.Leu555Ile; replaces leucine 555 with isoleucine.
Molecular consequence: missense variant.
Genome position (GRCh38, 1-based): chr2:29,297,042, G>T on the plus strand (C>A on the coding strand, the complement: ALK is on the minus strand). VCF-style: chr2-29297042-G-T. GRCh37 (hg19) VCF-style: chr2-29519908-G-T.
Other names: short protein forms L555I.
Identifiers: ClinVar variation 4679618 (VCV004679618.1).
Genomic context (GRCh38, chr2:29,297,042, plus strand): 5'-TCCCGGTTTTGTTCTCCACTAGCACCAAGGACACGTTTCCCCTCAAGACTCCACGAATGA[G>T]CCAGGACATTCGGAGCTGTGAGGGCGAGAAGAGTCAGAGGACAAGGTATGATTGCTGAAA-3'
Protein context (NP_004295.2, residues 545-565): SSPCELRMSW[Leu555Ile]IRGVLRGNVS

ClinVar aggregate classification (germline): Uncertain significance (1 of 4 stars; one submission).

Conditions:
Hereditary cancer-predisposing syndrome. Also called: Neoplastic Syndromes, Hereditary; Tumor predisposition; Hereditary Cancer Syndrome; Hereditary neoplastic syndrome. Identifiers: Orphanet 140162, MedGen C0027672, MeSH D009386, MONDO:0015356.

Submission:

Ambry Genetics
Classification: Uncertain significance for Hereditary cancer-predisposing syndrome. Last evaluated: 2025-11-17. Review status: criteria provided, single submitter. Criteria: Ambry Variant Classification Scheme 2023. Collection method: clinical testing. Allele origin: germline.
Comment: The p.L555I variant (also known as c.1663C>A), located in coding exon 9 of the ALK gene, results from a C to A substitution at nucleotide position 1663. The leucine at codon 555 is replaced by isoleucine, an amino acid with highly similar properties. This amino acid position is conserved. In addition, this alteration is predicted to be tolerated by in silico analysis. Based on the available evidence, the clinical significance of this variant remains unclear.